The following is an entry in ClinVar:

NM_199420.4(POLQ):c.5522T>G (p.Ile1841Ser)

Gene: POLQ (DNA polymerase theta; minus strand). Cytogenetic location: 3q13.33.
Variant type: single nucleotide variant.
Coding change: c.5522T>G on transcript NM_199420.4 (MANE Select); coding-DNA position 5522, T replaced by G.
Protein change: p.Ile1841Ser; replaces isoleucine 1841 with serine.
Molecular consequence: missense variant.
Genome position (GRCh38, 1-based): chr3:121,487,409, A>C on the plus strand (T>G on the coding strand, the complement: POLQ is on the minus strand). VCF-style: chr3-121487409-A-C. GRCh37 (hg19) VCF-style: chr3-121206256-A-C.
Other names: short protein forms I1841S.
Identifiers: ClinVar variation 3422519 (VCV003422519.1).

ClinVar aggregate classification (germline): Uncertain significance (1 of 4 stars; one submission).

Submission:

Ambry Genetics
Classification: Uncertain significance. Last evaluated: 2024-08-30. Review status: criteria provided, single submitter. Criteria: Ambry Variant Classification Scheme 2023. Collection method: clinical testing. Allele origin: germline.
Comment: The p.I1841S variant (also known as c.5522T>G), located in coding exon 16 of the POLQ gene, results from a T to G substitution at nucleotide position 5522. The isoleucine at codon 1841 is replaced by serine, an amino acid with dissimilar properties. This amino acid position is conserved. In addition, this alteration is predicted to be tolerated by in silico analysis. Based on the available evidence, the clinical significance of this variant remains unclear.